The following is an entry in ClinVar:

NM_004793.4(LONP1):c.62G>A (p.Arg21Gln)

Gene: LONP1 (lon peptidase 1, mitochondrial; minus strand). Cytogenetic location: 19p13.3.
Variant type: single nucleotide variant.
Coding change: c.62G>A on transcript NM_004793.4 (MANE Select); coding-DNA position 62, G replaced by A.
Protein change: p.Arg21Gln; replaces arginine 21 with glutamine.
Molecular consequence: missense variant. On other transcripts: non-coding transcript variant (1), intron variant (1).
Genome position (GRCh38, 1-based): chr19:5,720,071, C>T on the plus strand (G>A on the coding strand, the complement: LONP1 is on the minus strand). VCF-style: chr19-5720071-C-T. GRCh37 (hg19) VCF-style: chr19-5720082-C-T.
Other names: c.62G>A (NM_004793.3); c.62G>A, p.Arg21Gln (NM_001276479.2); c.-160+148G>A (NM_001276480.1); short protein forms R21Q.
Identifiers: ClinVar variation 2167946 (VCV002167946.5), dbSNP rs756947198, ClinGen allele CA9115249.

ClinVar aggregate classification (germline): Conflicting classifications of pathogenicity. Review status: criteria provided, conflicting classifications (1 of 4 stars). 2 submissions from 2 submitters: Uncertain significance (1); Likely benign (1). Last evaluated 2026-08-25.

Conditions:
LONP1-related disorder. Also called: LONP1-related disorders; LONP1-related condition.

Allele frequency attached by ClinVar (database versions not stated): TOPMed 0.00001; 1000 Genomes Project 30x 0.00016.
gnomAD v4.1: 24 of 1,525,978 alleles (0.0016%); highest among the groups gnomAD compares: Admixed American, 0.025%; no homozygotes.

Submissions (2):

PreventionGenetics, part of Exact Sciences
Classification: Uncertain significance for LONP1-related condition. Last evaluated: 2026-08-25. Review status: criteria provided, single submitter. Criteria: ACMG Guidelines, 2015. Collection method: clinical testing. Allele origin: germline.
Comment: The LONP1 c.62G>A variant is predicted to result in the amino acid substitution p.Arg21Gln. To our knowledge, this variant has not been reported in the literature. This variant is reported in 0.043% of alleles in individuals of Latino descent in gnomAD. At this time, the clinical significance of this variant is uncertain due to the absence of conclusive functional and genetic evidence.

Labcorp Genetics (formerly Invitae), Labcorp
Classification: Likely benign. Last evaluated: 2025-04-16. Review status: criteria provided, single submitter. Criteria: Invitae Variant Classification Sherloc (09022015). Collection method: clinical testing. Allele origin: germline.